The following is an entry in ClinVar:

NM_018116.4(MSTO1):c.924G>A (p.Leu308=)

Gene: MSTO1 (misato mitochondrial distribution and morphology regulator 1; plus strand). Cytogenetic location: 1q22.
Variant type: single nucleotide variant.
Coding change: c.924G>A on transcript NM_018116.4 (MANE Select); coding-DNA position 924, G replaced by A.
Protein change: p.Leu308=; no amino-acid change (leucine 308 retained).
Molecular consequence: synonymous variant. On other transcripts: non-coding transcript variant (6).
Genome position (GRCh38, 1-based): chr1:155,612,528, G>A. VCF-style: chr1-155612528-G-A. GRCh37 (hg19) VCF-style: chr1-155582319-G-A.
Other names: p.Leu308=; c.924G>A, p.Leu308= (NM_001256532.1, NM_001256533.1, NM_001350772.1 and 3 more transcripts); c.759G>A, p.Leu253= (NM_001350776.1); c.393G>A, p.Leu131= (NM_001350777.1, NM_001350778.1, NM_001350779.1); c.390G>A, p.Leu130= (NM_001350780.1, NM_001350781.1, NM_001350782.1 and 3 more transcripts); c.381G>A, p.Leu127= (NM_001350784.1, NM_001350785.1, NM_001350787.1 and 1 more transcripts).
Identifiers: ClinVar variation 4683513 (VCV004683513.1).
Genomic context (GRCh38, chr1:155,612,528, plus strand): 5'-GCACCTGACTGCTCACAGCTCTCTTGTCTGCCCCTTGTCCTTGGGTGGGAGCCTGGGCCT[G>A]CGACCCGAGCCACCTGTCAGCTTCCCTTACCTGCATTATGATGTAAGTCTCGGTGCTCTT-3'
Protein context (NP_060586.2, residues 298-318): CPLSLGGSLG[Leu308=]RPEPPVSFPY

ClinVar aggregate classification (germline): Likely benign (1 of 4 stars; one submission).

gnomAD v4.1: 630 of 1,613,398 alleles (0.039%); highest among the groups gnomAD compares: East Asian, 1.4%; 8 homozygotes.

Submission:

Mayo Clinic Laboratories, Mayo Clinic
Classification: Likely benign. Last evaluated: 2025-08-08. Review status: criteria provided, single submitter. Criteria: ACMG Guidelines, 2015. Collection method: clinical testing. Allele origin: germline. Observed: 1 variant allele.
Comment: BP4, BP7